The following is an entry in ClinVar:

NM_001103146.3(GIGYF2):c.2208+9C>T

Gene: GIGYF2 (GRB10 interacting GYF protein 2; plus strand). Cytogenetic location: 2q37.1.
Variant type: single nucleotide variant.
Coding change: c.2208+9C>T on transcript NM_001103146.3 (MANE Select); 9 bases into the intron after coding-DNA position 2208, C replaced by T.
Molecular consequence: intron variant.
Genome position (GRCh38, 1-based): chr2:232,815,746, C>T. VCF-style: chr2-232815746-C-T. GRCh37 (hg19) VCF-style: chr2-233680456-C-T.
Other names: c.2208+9C>T (NM_015575.4); c.2271+9C>T (NM_001103147.2); c.2190+9C>T (NM_001103148.2).
Identifiers: ClinVar variation 3046669 (VCV003046669.3), dbSNP rs773583857, ClinGen allele CA2170555.

ClinVar aggregate classification (germline): Likely benign. Review status: criteria provided, single submitter (1 of 4 stars). 2 submissions from 2 submitters: Likely benign (1). 1 of the submissions does not count toward it. Last evaluated 2024-08-29.

Conditions:
GIGYF2-related disorder. Also called: GIGYF2-related condition.

Allele frequency attached by ClinVar (database versions not stated): ExAC 0.00001; gnomAD exomes 0.00004.
gnomAD v4.1: 56 of 1,391,106 alleles (0.004%); highest among the groups gnomAD compares: Admixed American, 0.01%; 1 homozygote.

Submissions (2):

Blueprint Genetics
Classification: Likely benign. Last evaluated: 2024-08-29. Review status: criteria provided, single submitter. Criteria: ACMG Guidelines, 2015. Collection method: clinical testing. Allele origin: germline.

PreventionGenetics, part of Exact Sciences
Classification: Likely benign for GIGYF2-related condition. Last evaluated: 2023-04-06. Review status: no assertion criteria provided. Collection method: clinical testing. Allele origin: germline. Not counted in ClinVar's aggregate classification.
Comment: This variant is classified as likely benign based on ACMG/AMP sequence variant interpretation guidelines (Richards et al. 2015 PMID: 25741868, with internal and published modifications).